The following is an entry in ClinVar:

ClinVar aggregate classification (germline): Uncertain significance (1 of 4 stars; one submission).

Conditions:
Bloom syndrome (BLM). Also called: Bloom-Torre-Machacek syndrome. Identifiers: Orphanet 125, MedGen C0005859, MONDO:0008876, OMIM 210900.

Submission:

Labcorp Genetics (formerly Invitae), Labcorp
Classification: Uncertain significance for Bloom syndrome. Last evaluated: 2020-09-30. Review status: criteria provided, single submitter. Criteria: Invitae Variant Classification Sherloc (09022015). Collection method: clinical testing. Allele origin: germline.
Comment: Algorithms developed to predict the effect of missense changes on protein structure and function (SIFT, PolyPhen-2, Align-GVGD) all suggest that this variant is likely to be tolerated, but these predictions have not been confirmed by published functional studies and their clinical significance is uncertain. In summary, the available evidence is currently insufficient to determine the role of this variant in disease. Therefore, it has been classified as a Variant of Uncertain Significance. This sequence change replaces serine with alanine at codon 602 of the BLM protein (p.Ser602Ala). The serine residue is weakly conserved and there is a moderate physicochemical difference between serine and alanine. This variant is not present in population databases (ExAC no frequency). This variant has not been reported in the literature in individuals with BLM-related conditions.

NM_000057.4(BLM):c.1804T>G (p.Ser602Ala)

Gene: BLM (BLM RecQ like helicase; plus strand). Cytogenetic location: 15q26.1.
Variant type: single nucleotide variant.
Coding change: c.1804T>G on transcript NM_000057.4 (MANE Select); coding-DNA position 1804, T replaced by G.
Protein change: p.Ser602Ala; replaces serine 602 with alanine.
Molecular consequence: missense variant.
Genome position (GRCh38, 1-based): chr15:90,761,177, T>G. VCF-style: chr15-90761177-T-G. GRCh37 (hg19) VCF-style: chr15-91304407-T-G.
Other names: c.1804T>G, p.Ser602Ala (NM_001287246.2, NM_001287247.2); c.679T>G, p.Ser227Ala (NM_001287248.2); short protein forms S227A, S602A.
Identifiers: ClinVar variation 1003066 (VCV001003066.9), dbSNP rs1895977282, ClinGen allele CA393843877.
Genomic context (GRCh38, chr15:90,761,177, plus strand): 5'-GCTGCCTATCAACCCATCAAGGAAGGTCGGCCAATTAAATCAGTATCAGAAAGACTTTCC[T>G]CAGCCAAGACAGACTGTCTTCCAGTGTCATCTACTGCTCAAAATATAAACTTCTCAGAGT-3'
Protein context (NP_000048.1, residues 592-612): PIKSVSERLS[Ser602Ala]AKTDCLPVSS